The following is an entry in ClinVar:

NM_025114.4(CEP290):c.2578G>T (p.Glu860Ter)

Gene: CEP290 (centrosomal protein 290; minus strand). Cytogenetic location: 12q21.32.
Variant type: single nucleotide variant.
Coding change: c.2578G>T on transcript NM_025114.4 (MANE Select); coding-DNA position 2578, G replaced by T.
Protein change: p.Glu860Ter; replaces glutamic acid 860 with a stop codon.
Molecular consequence: nonsense.
Genome position (GRCh38, 1-based): chr12:88,107,004, C>A on the plus strand (G>T on the coding strand, the complement: CEP290 is on the minus strand). VCF-style: chr12-88107004-C-A. GRCh37 (hg19) VCF-style: chr12-88500781-C-A.
Other names: short protein forms E860*.
Identifiers: ClinVar variation 2925500 (VCV002925500.4), dbSNP rs2500627820, ClinGen allele CA385971741.

ClinVar aggregate classification (germline): Pathogenic. Review status: criteria provided, multiple submitters, no conflicts (2 of 4 stars). 2 submissions from 2 submitters: Pathogenic (2). Last evaluated 2024-05-14.

Conditions:
CEP290-related ciliopathy. Also called: CEP290 ciliopathy. Identifiers: MedGen CN305601, MONDO:0100451.
Meckel-Gruber syndrome. Also called: DYSENCEPHALIA SPLANCHNOCYSTICA; GRUBER SYNDROME; Dysencephalia splachnocystica. Identifiers: Orphanet 564, MedGen C0265215, MONDO:0018921.
Joubert syndrome. Also called: JOUBERT-BOLTSHAUSER SYNDROME; Familial aplasia of the vermis. Identifiers: Orphanet 475, MedGen C5979921, MONDO:0018772.
Nephronophthisis. Also called: Juvenile Nephronophthisis. Identifiers: Orphanet 655, MedGen C0687120, MONDO:0019005, HP:0000090.

Submissions (2):

Myriad Genetics, Inc.
Classification: Pathogenic for CEP290-related ciliopathy. Last evaluated: 2024-05-14. Review status: criteria provided, single submitter. Criteria: Myriad Autosomal Dominant, Autosomal Recessive and X-Linked Classification Criteria (2023). Collection method: clinical testing. Allele origin: unknown.
Comment: NM_025114.3(CEP290):c.2578G>T(E860*) is expected to be pathogenic in the context of CEP290-related disorders. This variant is predicted to lead to an abnormal or absent protein product due to the creation of a premature termination codon in CEP290, a gene where loss-of-function variants are known to be pathogenic. Please note: this variant was assessed in the context of healthy population screening.

Labcorp Genetics (formerly Invitae), Labcorp
Classification: Pathogenic for Joubert syndrome; Meckel-Gruber syndrome; Nephronophthisis. Last evaluated: 2023-10-18. Review status: criteria provided, single submitter. Criteria: Invitae Variant Classification Sherloc (09022015). Collection method: clinical testing. Allele origin: germline.
Comment: This sequence change creates a premature translational stop signal (p.Glu860*) in the CEP290 gene. It is expected to result in an absent or disrupted protein product. Loss-of-function variants in CEP290 are known to be pathogenic (PMID: 16909394, 17345604, 20690115). This variant is not present in population databases (gnomAD no frequency). This premature translational stop signal has been observed in individual(s) with Leber congenital amaurosis (PMID: 24265693). For these reasons, this variant has been classified as Pathogenic.

Literature cited by the submitters: PubMed 16909394 (cited by Labcorp Genetics (formerly Invitae), Labcorp); PubMed 17345604 (cited by Labcorp Genetics (formerly Invitae), Labcorp); PubMed 20690115 (cited by Labcorp Genetics (formerly Invitae), Labcorp); PubMed 24265693 (cited by Labcorp Genetics (formerly Invitae), Labcorp).